The following is an entry in ClinVar:

ClinVar aggregate classification (germline): Likely benign (0 of 4 stars; one submission).

Conditions:
MAP3K6-related disorder. Also called: MAP3K6-related condition.

Allele frequency attached by ClinVar (database versions not stated): gnomAD 0.00035; gnomAD exomes 0.00040; TOPMed 0.00044; ExAC 0.00080; 1000 Genomes Project 0.00200; 1000 Genomes Project 30x 0.00234.
gnomAD v4.1: 623 of 1,613,580 alleles (0.039%); highest among the groups gnomAD compares: East Asian, 0.51%; no homozygotes.

Submission:

PreventionGenetics, part of Exact Sciences
Classification: Likely benign for MAP3K6-related condition. Last evaluated: 2023-06-08. Review status: no assertion criteria provided. Collection method: clinical testing. Allele origin: germline.
Comment: This variant is classified as likely benign based on ACMG/AMP sequence variant interpretation guidelines (Richards et al. 2015 PMID: 25741868, with internal and published modifications).

NM_004672.5(MAP3K6):c.3181G>A (p.Ala1061Thr)

Gene: MAP3K6 (mitogen-activated protein kinase kinase kinase 6; minus strand). Cytogenetic location: 1p36.11.
Variant type: single nucleotide variant.
Coding change: c.3181G>A on transcript NM_004672.5 (MANE Select); coding-DNA position 3181, G replaced by A.
Protein change: p.Ala1061Thr; replaces alanine 1061 with threonine.
Molecular consequence: missense variant.
Genome position (GRCh38, 1-based): chr1:27,357,477, C>T on the plus strand (G>A on the coding strand, the complement: MAP3K6 is on the minus strand). VCF-style: chr1-27357477-C-T. GRCh37 (hg19) VCF-style: chr1-27683968-C-T.
Other names: c.3157G>A, p.Ala1053Thr (NM_001297609.2); short protein forms A1053T, A1061T.
Identifiers: ClinVar variation 3056146 (VCV003056146.2), dbSNP rs55990440, ClinGen allele CA713144.